The following is an entry in ClinVar:

NM_201596.3(CACNB2):c.386A>G (p.His129Arg)

Gene: CACNB2 (calcium voltage-gated channel auxiliary subunit beta 2; plus strand). Cytogenetic location: 10p12.31.
Variant type: single nucleotide variant.
Coding change: c.386A>G on transcript NM_201596.3 (MANE Select); coding-DNA position 386, A replaced by G.
Protein change: p.His129Arg; replaces histidine 129 with arginine.
Molecular consequence: missense variant.
Genome position (GRCh38, 1-based): chr10:18,498,407, A>G. VCF-style: chr10-18498407-A-G. GRCh37 (hg19) VCF-style: chr10-18787336-A-G.
Other names: c.221A>G, p.His74Arg (NM_000724.4, NM_001330060.2); c.302A>G, p.His101Arg (NM_001167945.2, NM_201571.4, NM_201572.4); c.242A>G, p.His81Arg (NM_001410882.1, NM_201570.3); c.224A>G, p.His75Arg (NM_201590.3); c.386A>G, p.His129Arg (NM_201593.3, NM_201597.3); short protein forms H129R, H75R, H101R, H81R, H74R.
Identifiers: ClinVar variation 3714917 (VCV003714917.2).
Genomic context (GRCh38, chr10:18,498,407, plus strand): 5'-CACTTTAGACAAAGCCCGTTGCATTTGCGGTTCGGACAAATGTCAGCTACAGTGCGGCCC[A>G]TGAAGATGATGTTCCAGTGCCTGGCATGGCCATCTCATTCGAAGCAAAAGATTTTCTGCA-3'
Protein context (NP_963890.2, residues 119-139): VRTNVSYSAA[His129Arg]EDDVPVPGMA

ClinVar aggregate classification (germline): Uncertain significance (1 of 4 stars; one submission).

Conditions:
Brugada syndrome 4 (BRGDA4). Identifiers: Orphanet 130, MedGen C2678477, MONDO:0012743, OMIM 611876.

gnomAD v4.1: 4 of 1,614,168 alleles (0.00025%); highest among the groups gnomAD compares: Non-Finnish European, 0.00017%; no homozygotes.

Submission:

Labcorp Genetics (formerly Invitae), Labcorp
Classification: Uncertain significance for Brugada syndrome 4. Last evaluated: 2024-12-17. Review status: criteria provided, single submitter. Criteria: Invitae Variant Classification Sherloc (09022015). Collection method: clinical testing. Allele origin: germline.
Comment: This sequence change replaces histidine, which is basic and polar, with arginine, which is basic and polar, at codon 75 of the CACNB2 protein (p.His75Arg). This variant is not present in population databases (gnomAD no frequency). This variant has not been reported in the literature in individuals affected with CACNB2-related conditions. Invitae Evidence Modeling of protein sequence and biophysical properties (such as structural, functional, and spatial information, amino acid conservation, physicochemical variation, residue mobility, and thermodynamic stability) indicates that this missense variant is not expected to disrupt CACNB2 protein function with a negative predictive value of 80%. In summary, the available evidence is currently insufficient to determine the role of this variant in disease. Therefore, it has been classified as a Variant of Uncertain Significance.